The following is an entry in ClinVar:

NM_032043.3(BRIP1):c.1994A>T (p.Gln665Leu)

Gene: BRIP1 (BRCA1 interacting DNA helicase 1; minus strand). Cytogenetic location: 17q23.2.
Variant type: single nucleotide variant.
Coding change: c.1994A>T on transcript NM_032043.3 (MANE Select); coding-DNA position 1994, A replaced by T.
Protein change: p.Gln665Leu; replaces glutamine 665 with leucine.
Molecular consequence: missense variant.
Genome position (GRCh38, 1-based): chr17:61,776,504, T>A on the plus strand (A>T on the coding strand, the complement: BRIP1 is on the minus strand). VCF-style: chr17-61776504-T-A. GRCh37 (hg19) VCF-style: chr17-59853865-T-A.
Other names: short protein forms Q665L.
Identifiers: ClinVar variation 1053361 (VCV001053361.13), dbSNP rs2145031487, ClinGen allele CA400478423.

ClinVar aggregate classification (germline): Uncertain significance. Review status: criteria provided, multiple submitters, no conflicts (2 of 4 stars). 3 submissions from 3 submitters: Uncertain significance (3). Last evaluated 2023-11-23.

Conditions:
Hereditary cancer-predisposing syndrome. Also called: Hereditary Cancer Syndrome; Tumor predisposition; Hereditary neoplastic syndrome; Neoplastic Syndromes, Hereditary. Identifiers: Orphanet 140162, MedGen C0027672, MeSH D009386, MONDO:0015356.
Fanconi anemia complementation group J. Also called: BRIP1-Related Fanconi Anemia. Identifiers: Orphanet 84, MedGen C1836860, MONDO:0012187, OMIM 609054.
Familial cancer of breast. Also called: hereditary breast carcinoma; Hereditary breast cancer; BREAST CANCER, FAMILIAL. Identifiers: Orphanet 227535, MedGen C0346153, MONDO:0016419, OMIM 114480. Disease mechanism: loss of function.

Submissions (3):

Baylor Genetics
Classification: Uncertain significance for Familial cancer of breast. Last evaluated: 2023-11-23. Review status: criteria provided, single submitter. Criteria: ACMG Guidelines, 2015. Collection method: clinical testing. Allele origin: unknown.

Labcorp Genetics (formerly Invitae), Labcorp
Classification: Uncertain significance for Familial cancer of breast; Fanconi anemia complementation group J. Last evaluated: 2023-04-11. Review status: criteria provided, single submitter. Criteria: Invitae Variant Classification Sherloc (09022015). Collection method: clinical testing. Allele origin: germline.
Comment: In summary, the available evidence is currently insufficient to determine the role of this variant in disease. Therefore, it has been classified as a Variant of Uncertain Significance. Advanced modeling of protein sequence and biophysical properties (such as structural, functional, and spatial information, amino acid conservation, physicochemical variation, residue mobility, and thermodynamic stability) has been performed at Invitae for this missense variant, however the output from this modeling did not meet the statistical confidence thresholds required to predict the impact of this variant on BRIP1 protein function. ClinVar contains an entry for this variant (Variation ID: 1053361). This variant has not been reported in the literature in individuals affected with BRIP1-related conditions. This variant is not present in population databases (gnomAD no frequency). This sequence change replaces glutamine, which is neutral and polar, with leucine, which is neutral and non-polar, at codon 665 of the BRIP1 protein (p.Gln665Leu).

Ambry Genetics
Classification: Uncertain significance for Hereditary cancer-predisposing syndrome. Last evaluated: 2022-06-24. Review status: criteria provided, single submitter. Criteria: Ambry Variant Classification Scheme 2023. Collection method: clinical testing. Allele origin: germline.
Comment: The p.Q665L variant (also known as c.1994A>T), located in coding exon 13 of the BRIP1 gene, results from an A to T substitution at nucleotide position 1994. The glutamine at codon 665 is replaced by leucine, an amino acid with dissimilar properties. This amino acid position is conserved. In addition, the in silico prediction for this alteration is inconclusive. Since supporting evidence is limited at this time, the clinical significance of this alteration remains unclear.